The following is an entry in ClinVar:

NM_000081.4(LYST):c.2641G>C (p.Ala881Pro)

Gene: LYST (lysosomal trafficking regulator; minus strand). Cytogenetic location: 1q42.3.
Variant type: single nucleotide variant.
Coding change: c.2641G>C on transcript NM_000081.4 (MANE Select); coding-DNA position 2641, G replaced by C.
Protein change: p.Ala881Pro; replaces alanine 881 with proline.
Molecular consequence: missense variant.
Genome position (GRCh38, 1-based): chr1:235,806,495, C>G on the plus strand (G>C on the coding strand, the complement: LYST is on the minus strand). VCF-style: chr1-235806495-C-G. GRCh37 (hg19) VCF-style: chr1-235969795-C-G.
Other names: c.2641G>C, p.Ala881Pro (NM_001301365.1); short protein forms A881P.
Identifiers: ClinVar variation 2081273 (VCV002081273.4), dbSNP rs147554343, ClinGen allele CA1467241.

ClinVar aggregate classification (germline): Uncertain significance (1 of 4 stars; one submission).

Conditions:
Chédiak-Higashi syndrome (CHS). Also called: Chediak-Higashi Syndrome. Identifiers: Orphanet 167, MedGen C0007965, MONDO:0008963, OMIM 214500.

Allele frequency attached by ClinVar (database versions not stated): ExAC 0.00001; gnomAD 0.00001; TOPMed 0.00001; ESP Exome Variant Server 0.00008.
gnomAD v4.1: 5 of 1,613,934 alleles (0.00031%); highest among the groups gnomAD compares: Non-Finnish European, 0.00025%; no homozygotes.

Submission:

Labcorp Genetics (formerly Invitae), Labcorp
Classification: Uncertain significance for Chédiak-Higashi syndrome. Last evaluated: 2022-10-13. Review status: criteria provided, single submitter. Criteria: Invitae Variant Classification Sherloc (09022015). Collection method: clinical testing. Allele origin: germline.
Comment: In summary, the available evidence is currently insufficient to determine the role of this variant in disease. Therefore, it has been classified as a Variant of Uncertain Significance. Advanced modeling of protein sequence and biophysical properties (such as structural, functional, and spatial information, amino acid conservation, physicochemical variation, residue mobility, and thermodynamic stability) performed at Invitae indicates that this missense variant is not expected to disrupt LYST protein function. This variant has not been reported in the literature in individuals affected with LYST-related conditions. This variant is present in population databases (rs147554343, gnomAD 0.0009%). This sequence change replaces alanine, which is neutral and non-polar, with proline, which is neutral and non-polar, at codon 881 of the LYST protein (p.Ala881Pro).